The following is an entry in ClinVar:

ClinVar aggregate classification (germline): Uncertain significance. Review status: criteria provided, multiple submitters, no conflicts (2 of 4 stars). 2 submissions from 2 submitters: Uncertain significance (2). Last evaluated 2025-02-20.

Allele frequency attached by ClinVar (database versions not stated): ExAC 0.00007; TOPMed 0.00001.
gnomAD v4.1: 60 of 1,613,732 alleles (0.0037%); highest among the groups gnomAD compares: East Asian, 0.13%; no homozygotes.

Submissions (2):

Labcorp Genetics (formerly Invitae), Labcorp
Classification: Uncertain significance. Last evaluated: 2025-02-20. Review status: criteria provided, single submitter. Criteria: Invitae Variant Classification Sherloc (09022015). Collection method: clinical testing. Allele origin: germline.
Comment: This sequence change replaces alanine, which is neutral and non-polar, with glycine, which is neutral and non-polar, at codon 930 of the TTC37 protein (p.Ala930Gly). This variant is present in population databases (rs759630869, gnomAD 0.08%). This variant has not been reported in the literature in individuals affected with TTC37-related conditions. ClinVar contains an entry for this variant (Variation ID: 2505685). An algorithm developed to predict the effect of missense changes on protein structure and function (PolyPhen-2) suggests that this variant is likely to be tolerated. In summary, the available evidence is currently insufficient to determine the role of this variant in disease. Therefore, it has been classified as a Variant of Uncertain Significance.

GeneDx
Classification: Uncertain significance. Last evaluated: 2022-12-16. Review status: criteria provided, single submitter. Criteria: GeneDx Variant Classification Process June 2021. Collection method: clinical testing. Allele origin: germline. Affected: yes.
Comment: In silico analysis supports that this missense variant has a deleterious effect on protein structure/function; Has not been previously published as pathogenic or benign to our knowledge

NM_014639.4(SKIC3):c.2789C>G (p.Ala930Gly)

Gene: SKIC3 (SKI3 subunit of superkiller complex; minus strand). Cytogenetic location: 5q15.
Variant type: single nucleotide variant.
Coding change: c.2789C>G on transcript NM_014639.4 (MANE Select); coding-DNA position 2789, C replaced by G.
Protein change: p.Ala930Gly; replaces alanine 930 with glycine.
Molecular consequence: missense variant.
Genome position (GRCh38, 1-based): chr5:95,512,608, G>C on the plus strand (C>G on the coding strand, the complement: SKIC3 is on the minus strand). VCF-style: chr5-95512608-G-C. GRCh37 (hg19) VCF-style: chr5-94848312-G-C.
Other names: short protein forms A930G.
Identifiers: ClinVar variation 2505685 (VCV002505685.2), dbSNP rs759630869, ClinGen allele CA3346948.